The following is an entry in ClinVar:

NM_001134831.2(AHI1):c.1846del (p.Asp616fs)

Gene: AHI1 (Abelson helper integration site 1; minus strand). Cytogenetic location: 6q23.3.
Variant type: Deletion.
Coding change: c.1846del on transcript NM_001134831.2 (MANE Select); coding-DNA position 1846, one base deleted (G; older notation c.1846delG).
Protein change: p.Asp616fs; shifts the reading frame from aspartic acid 616.
Molecular consequence: frameshift variant.
Genome position (GRCh38, 1-based): chr6:135,442,648, C deleted on the plus strand (G on the coding strand, the reverse complement: AHI1 is on the minus strand). VCF-style (leftmost placement, unchanged base first): chr6-135442647-TC-T. GRCh37 (hg19) VCF-style: chr6-135763785-TC-T.
Other names: c.1846del, p.Asp616fs (NM_001134830.2, NM_001134832.2, NM_001350503.2 and 2 more transcripts); short protein forms D616fs.
Identifiers: ClinVar variation 5016008 (VCV005016008.1).

ClinVar aggregate classification (germline): Pathogenic (1 of 4 stars; one submission).

Conditions:
Joubert syndrome 3 (JBTS3). Also called: AHI1-related Ciliopathy. Identifiers: Orphanet 220493, MedGen C1837713, MONDO:0012078, OMIM 608629.

Submission:

Myriad Genetics, Inc.
Classification: Pathogenic for Joubert syndrome 3. Last evaluated: 2026-06-08. Review status: criteria provided, single submitter. Criteria: Myriad Autosomal Dominant, Autosomal Recessive and X-Linked Classification Criteria (2023). Collection method: clinical testing. Allele origin: unknown.
Comment: NM_001134831.1(AHI1):c.1846delG(D616Ifs*9) is expected to be pathogenic in the context of Joubert syndrome, AHI1-related. This variant is predicted to lead to an abnormal or absent protein product due to the creation of a premature termination codon in AHI1, a gene where loss-of-function variants are known to be pathogenic. Please note: this variant was assessed in the context of healthy population screening.